The following is an entry in ClinVar:

ClinVar aggregate classification (germline): Uncertain significance (1 of 4 stars; one submission).

Submission:

Mayo Clinic Laboratories, Mayo Clinic
Classification: Uncertain significance. Last evaluated: 2022-09-02. Review status: criteria provided, single submitter. Criteria: ACMG Guidelines, 2015. Collection method: clinical testing. Allele origin: germline. Observed: 1 variant allele.
Comment: PP3, PP4, PM2

NM_000097.7(CPOX):c.835G>A (p.Gly279Ser)

Gene: CPOX (coproporphyrinogen oxidase; minus strand). Cytogenetic location: 3q11.2.
Variant type: single nucleotide variant.
Coding change: c.835G>A on transcript NM_000097.7 (MANE Select); coding-DNA position 835, G replaced by A.
Protein change: p.Gly279Ser; replaces glycine 279 with serine.
Molecular consequence: missense variant.
Genome position (GRCh38, 1-based): chr3:98,588,831, C>T on the plus strand (G>A on the coding strand, the complement: CPOX is on the minus strand). VCF-style: chr3-98588831-C-T. GRCh37 (hg19) VCF-style: chr3-98307675-C-T.
Other names: p.Gly279Ser; short protein forms G279S.
Identifiers: ClinVar variation 2682841 (VCV002682841.1), dbSNP rs121917874, ClinGen allele CA353645555.
Genomic context (GRCh38, chr3:98,588,831, plus strand): 5'-TTCTGTGAAAATGGACAGCGTCTTCTTGATTCAAGTATGTTGGAGTGAGGTCACATCCAC[C>T]ACCAAACCACCACTGCTTGTTGCCTACCAAATCAAGACATGGGATTCTAATGTGGACTTT-3'
Protein context (NP_000088.3, residues 269-289): ADGNKQWWFG[Gly279Ser]GCDLTPTYLN